The following is an entry in ClinVar:

NM_000179.3(MSH6):c.323G>T (p.Cys108Phe)

Gene: MSH6 (mutS homolog 6; plus strand). Cytogenetic location: 2p16.3.
Variant type: single nucleotide variant.
Coding change: c.323G>T on transcript NM_000179.3 (MANE Select); coding-DNA position 323, G replaced by T.
Protein change: p.Cys108Phe; replaces cysteine 108 with phenylalanine.
Molecular consequence: missense variant. On other transcripts: 5 prime UTR variant (7), non-coding transcript variant (5), intron variant (6).
Genome position (GRCh38, 1-based): chr2:47,790,989, G>T. VCF-style: chr2-47790989-G-T. GRCh37 (hg19) VCF-style: chr2-48018128-G-T.
Other names: c.-414G>T (NM_001281493.2, NM_001406811.1, NM_001406823.1 and 1 more transcripts); c.-580G>T (NM_001281494.2); c.419G>T, p.Cys140Phe (NM_001406795.1, NM_001406802.1); c.323G>T, p.Cys108Phe (NM_001406796.1, NM_001406798.1, NM_001406800.1 and 6 more transcripts); c.26G>T, p.Cys9Phe (NM_001406797.1, NM_001406801.1, NM_001406805.1 and 10 more transcripts); c.245G>T, p.Cys82Phe (NM_001406804.1); c.-606G>T (NM_001406807.1); c.-672G>T (NM_001406814.1); and 6 more; short protein forms C52F, C82F, C108F, C9F, C140F.
Identifiers: ClinVar variation 2854943 (VCV002854943.3), dbSNP rs1572708660, ClinGen allele CA346736934.

ClinVar aggregate classification (germline): Uncertain significance (1 of 4 stars; one submission).

Conditions:
Hereditary nonpolyposis colorectal neoplasms. Identifiers: MedGen C0009405, MeSH D003123.

Submission:

Labcorp Genetics (formerly Invitae), Labcorp
Classification: Uncertain significance for Hereditary nonpolyposis colorectal neoplasms. Last evaluated: 2025-07-30. Review status: criteria provided, single submitter. Criteria: Invitae Variant Classification Sherloc (09022015). Collection method: clinical testing. Allele origin: germline.
Comment: This sequence change replaces cysteine, which is neutral and slightly polar, with phenylalanine, which is neutral and non-polar, at codon 108 of the MSH6 protein (p.Cys108Phe). This variant is not present in population databases (gnomAD no frequency). This variant has not been reported in the literature in individuals affected with MSH6-related conditions. ClinVar contains an entry for this variant (Variation ID: 2854943). Invitae Evidence Modeling of protein sequence and biophysical properties (such as structural, functional, and spatial information, amino acid conservation, physicochemical variation, residue mobility, and thermodynamic stability) indicates that this missense variant is not expected to disrupt MSH6 protein function with a negative predictive value of 95%. In summary, the available evidence is currently insufficient to determine the role of this variant in disease. Therefore, it has been classified as a Variant of Uncertain Significance.